The following is an entry in ClinVar:

ClinVar aggregate classification (germline): Uncertain significance (1 of 4 stars; one submission).

Conditions:
Immunodeficiency due to CD25 deficiency. Also called: IMMUNODEFICIENCY 41 WITH LYMPHOPROLIFERATION AND AUTOIMMUNITY; IL2RA DEFICIENCY; CD25 DEFICIENCY. Identifiers: Orphanet 169100, MedGen C1853392, MONDO:0011664, OMIM 606367.

Allele frequency attached by ClinVar (database versions not stated): TOPMed 0.00002; ExAC 0.00003; gnomAD 0.00004; gnomAD exomes 0.00001.

Submission:

Labcorp Genetics (formerly Invitae), Labcorp
Classification: Uncertain significance for Immunodeficiency due to CD25 deficiency. Last evaluated: 2021-08-24. Review status: criteria provided, single submitter. Criteria: Invitae Variant Classification Sherloc (09022015). Collection method: clinical testing. Allele origin: germline.
Comment: This sequence change replaces glycine with glutamic acid at codon 258 of the IL2RA protein (p.Gly258Glu). The glycine residue is moderately conserved and there is a moderate physicochemical difference between glycine and glutamic acid. This variant is present in population databases (rs753797918, ExAC 0.005%). This variant has not been reported in the literature in individuals affected with IL2RA-related conditions. Algorithms developed to predict the effect of missense changes on protein structure and function are either unavailable or do not agree on the potential impact of this missense change (SIFT: "Tolerated"; PolyPhen-2: "Probably Damaging"; Align-GVGD: "Class C0"). In summary, the available evidence is currently insufficient to determine the role of this variant in disease. Therefore, it has been classified as a Variant of Uncertain Significance.

NM_000417.3(IL2RA):c.773G>A (p.Gly258Glu)

Gene: IL2RA (interleukin 2 receptor subunit alpha; minus strand). Cytogenetic location: 10p15.1.
Variant type: single nucleotide variant.
Coding change: c.773G>A on transcript NM_000417.3 (MANE Select); coding-DNA position 773, G replaced by A.
Protein change: p.Gly258Glu; replaces glycine 258 with glutamic acid.
Molecular consequence: missense variant.
Genome position (GRCh38, 1-based): chr10:6,018,074, C>T on the plus strand (G>A on the coding strand, the complement: IL2RA is on the minus strand). VCF-style: chr10-6018074-C-T. GRCh37 (hg19) VCF-style: chr10-6060037-C-T.
Other names: c.557G>A, p.Gly186Glu (NM_001308242.2); c.485G>A, p.Gly162Glu (NM_001308243.2); short protein forms G258E, G162E, G186E.
Identifiers: ClinVar variation 655360 (VCV000655360.6), dbSNP rs753797918, ClinGen allele CA5397308.